The following is an entry in ClinVar:

NM_020937.4(FANCM):c.2350T>C (p.Tyr784His)

Gene: FANCM (FA complementation group M; plus strand). Cytogenetic location: 14q21.2.
Variant type: single nucleotide variant.
Coding change: c.2350T>C on transcript NM_020937.4 (MANE Select); coding-DNA position 2350, T replaced by C.
Protein change: p.Tyr784His; replaces tyrosine 784 with histidine.
Molecular consequence: missense variant.
Genome position (GRCh38, 1-based): chr14:45,175,104, T>C. VCF-style: chr14-45175104-T-C. GRCh37 (hg19) VCF-style: chr14-45644307-T-C.
Other names: c.2272T>C, p.Tyr758His (NM_001308133.2); short protein forms Y784H, Y758H.
Identifiers: ClinVar variation 4694778 (VCV004694778.1).

ClinVar aggregate classification (germline): Uncertain significance (1 of 4 stars; one submission).

Conditions:
Fanconi anemia (FA). Also called: Fanconi's anemia. Identifiers: Orphanet 84, MedGen C0015625, MeSH D005199, MONDO:0019391.

gnomAD v4.1: 1 of 1,611,940 alleles (0.000062%); highest among the groups gnomAD compares: East Asian, 0.0022%; no homozygotes.

Submission:

Labcorp Genetics (formerly Invitae), Labcorp
Classification: Uncertain significance for Fanconi anemia. Last evaluated: 2025-03-26. Review status: criteria provided, single submitter. Criteria: Invitae Variant Classification Sherloc (09022015). Collection method: clinical testing. Allele origin: germline.
Comment: This sequence change replaces tyrosine, which is neutral and polar, with histidine, which is basic and polar, at codon 784 of the FANCM protein (p.Tyr784His). The frequency data for this variant in the population databases is considered unreliable, as metrics indicate poor data quality at this position in the gnomAD database. This variant has not been reported in the literature in individuals affected with FANCM-related conditions. An algorithm developed to predict the effect of missense changes on protein structure and function (PolyPhen-2) suggests that this variant is likely to be tolerated. In summary, the available evidence is currently insufficient to determine the role of this variant in disease. Therefore, it has been classified as a Variant of Uncertain Significance.